The following is an entry in ClinVar:

NM_001130987.2(DYSF):c.5874T>G (p.Asp1958Glu)

Gene: DYSF (dysferlin; plus strand). Cytogenetic location: 2p13.2.
Variant type: single nucleotide variant.
Coding change: c.5874T>G on transcript NM_001130987.2 (MANE Select); coding-DNA position 5874, T replaced by G.
Protein change: p.Asp1958Glu; replaces aspartic acid 1958 with glutamic acid.
Molecular consequence: missense variant.
Genome position (GRCh38, 1-based): chr2:71,674,286, T>G. VCF-style: chr2-71674286-T-G. GRCh37 (hg19) VCF-style: chr2-71901416-T-G.
Other names: c.5760T>G, p.Asp1920Glu (NM_001130455.2); c.5715T>G, p.Asp1905Glu (NM_001130976.2); c.5778T>G, p.Asp1926Glu (NM_001130977.2); c.5820T>G, p.Asp1940Glu (NM_001130978.2); c.5850T>G, p.Asp1950Glu (NM_001130979.2); c.5808T>G, p.Asp1936Glu (NM_001130980.2); c.5871T>G, p.Asp1957Glu (NM_001130981.2); c.5853T>G, p.Asp1951Glu (NM_001130982.2); and 5 more; short protein forms D1958E, D1919E, D1940E, D1950E, D1920E, D1926E, D1927E, D1951E.
Identifiers: ClinVar variation 284822 (VCV000284822.14), dbSNP rs750860886, ClinGen allele CA1707524.
Genomic context (GRCh38, chr2:71,674,286, plus strand): 5'-GAGCAAAATCCCAGCACGAGTGGTGTTCCAGATCTGGGACAATGACAAGTTCTCCTTTGA[T>G]GATTTTCTGGGTAAGCGCTATTGCTAGAATCCCATTCTGCACATGGGGGCTGCCCCAGAA-3'
Protein context (NP_001124459.1, residues 1948-1968): QIWDNDKFSF[Asp1958Glu]DFLGSLQLDL

ClinVar aggregate classification (germline): Conflicting classifications of pathogenicity. Review status: criteria provided, conflicting classifications (1 of 4 stars). 6 submissions from 6 submitters: Uncertain significance (4); Likely benign (1). 1 of the submissions does not count toward it. Last evaluated 2026-01-14.

Conditions:
Inborn genetic diseases. Identifiers: MedGen C0950123, MeSH D030342.
Neuromuscular disease caused by qualitative or quantitative defects of dysferlin. Also called: Dysferlinopathy; Qualitative or quantitative defects of dysferlin. Identifiers: Orphanet 207073, MedGen C2931687, MONDO:0016145.
Autosomal recessive limb-girdle muscular dystrophy type 2B (LGMDR2). Also called: MUSCULAR DYSTROPHY, LIMB-GIRDLE, TYPE 3; Limb-Girdle Muscular Dystrophy Type 2B (LGMD2B); Limb-girdle muscular dystrophy, type 2B; MUSCULAR DYSTROPHY, LIMB-GIRDLE, AUTOSOMAL RECESSIVE 2. Identifiers: Orphanet 268, MedGen C1850889, MONDO:0009676, OMIM 253601.

Allele frequency attached by ClinVar (database versions not stated): gnomAD 0.00005 and 0.00006; TOPMed 0.00005; gnomAD exomes 0.00006 and 0.00008; ExAC 0.00007.
gnomAD v4.1: 118 of 1,614,108 alleles (0.0073%); highest among the groups gnomAD compares: Non-Finnish European, 0.0091%; no homozygotes.

Submissions (6):

Labcorp Genetics (formerly Invitae), Labcorp
Classification: Likely benign for Neuromuscular disease caused by qualitative or quantitative defects of dysferlin. Last evaluated: 2026-01-14. Review status: criteria provided, single submitter. Criteria: Invitae Variant Classification Sherloc (09022015). Collection method: clinical testing. Allele origin: germline.

GeneDx
Classification: Uncertain significance. Last evaluated: 2025-04-20. Review status: criteria provided, single submitter. Criteria: GeneDx Variant Classification Process June 2021. Collection method: clinical testing. Allele origin: germline. Affected: yes.
Comment: Not observed at significant frequency in large population cohorts (gnomAD); In silico analysis supports that this missense variant has a deleterious effect on protein structure/function; Has not been previously published as pathogenic or benign to our knowledge; This variant is associated with the following publications: (PMID: 24438169)

Revvity Omics, Revvity
Classification: Uncertain significance. Last evaluated: 2025-01-23. Review status: criteria provided, single submitter. Criteria: ACMG Guidelines, 2015. Collection method: clinical testing. Allele origin: germline.

Ambry Genetics
Classification: Uncertain significance for Inborn genetic diseases. Last evaluated: 2024-06-05. Review status: criteria provided, single submitter. Criteria: Ambry Variant Classification Scheme 2023. Collection method: clinical testing. Allele origin: germline.

Eurofins Ntd Llc (ga)
Classification: Uncertain significance. Last evaluated: 2015-11-10. Review status: criteria provided, single submitter. Criteria: EGL Classification Definitions 2015. Collection method: clinical testing. Allele origin: germline. Observed: 1 variant allele, 1 heterozygote.

Natera, Inc.
Classification: Uncertain significance for Limb-girdle muscular dystrophy type 2B. Last evaluated: 2020-01-08. Review status: no assertion criteria provided. Collection method: clinical testing. Allele origin: germline. Not counted in ClinVar's aggregate classification.